The following is an entry in ClinVar:

ClinVar aggregate classification (germline): Likely benign. Review status: criteria provided, multiple submitters, no conflicts (2 of 4 stars). 7 submissions from 7 submitters: Likely benign (6). 1 of the submissions does not count toward it. Last evaluated 2026-01-10.

Conditions:
MYH7-related disorder. Also called: MYH7-related condition; MYH7-related disease; MYH7-related disorders.
Cardiovascular phenotype. Identifiers: MedGen CN230736.
Hypertrophic cardiomyopathy. Also called: HYPERTROPHIC MYOCARDIOPATHY. Identifiers: Orphanet 217569, MedGen C0007194, MeSH D002312, MONDO:0005045, HP:0001639.
Cardiomyopathy (CMYO). Also called: Cardiomyopathies. Identifiers: Orphanet 167848, MedGen C0878544, MONDO:0004994, HP:0001638. Inheritance: Various modes of inheritance.

Allele frequency attached by ClinVar (database versions not stated): TOPMed 0.00002; gnomAD 0.00004; 1000 Genomes Project 30x 0.00016; 1000 Genomes Project 0.00020; ExAC 0.00001; gnomAD exomes 0.00001.
gnomAD v4.1: 31 of 1,614,182 alleles (0.0019%); highest among the groups gnomAD compares: African/African-American, 0.004%; no homozygotes.

Submissions (7):

Labcorp Genetics (formerly Invitae), Labcorp
Classification: Likely benign for Hypertrophic cardiomyopathy. Last evaluated: 2026-01-10. Review status: criteria provided, single submitter. Criteria: Invitae Variant Classification Sherloc (09022015). Collection method: clinical testing. Allele origin: germline.

Molecular Diagnostic Laboratory for Inherited Cardiovascular Disease, Montreal Heart Institute
Classification: Likely benign. Last evaluated: 2025-04-09. Review status: criteria provided, single submitter. Criteria: ACMG Guidelines, 2015. Collection method: clinical testing. Allele origin: germline. Affected: no.
Comment: BP6;BP7

CeGaT Center for Human Genetics Tuebingen
Classification: Likely benign. Last evaluated: 2024-07-01. Review status: criteria provided, single submitter. Criteria: CeGaT Center For Human Genetics Tuebingen Variant Classification Criteria Version 2. Collection method: clinical testing. Allele origin: germline. Affected: yes. Observed: 2 variant alleles.
Comment: MYH7: BP4, BP7

All of Us Research Program, National Institutes of Health
Classification: Likely benign for Cardiomyopathy. Last evaluated: 2023-12-13. Review status: criteria provided, single submitter. Criteria: ACMG Guidelines, 2015. Collection method: clinical testing. Allele origin: germline. Inheritance: Autosomal dominant inheritance. Observed: 8 variant alleles, 8 heterozygotes.
Comment: This study involves interpretation of variants in research participants for the purpose of population health screening. Participant phenotype was not available at the time of variant classification. Additional details can be found in publication PMID: 35346344, PMCID: PMC8962531

Ambry Genetics
Classification: Likely benign for Cardiovascular phenotype. Last evaluated: 2021-02-16. Review status: criteria provided, single submitter. Criteria: Ambry Variant Classification Scheme 2023. Collection method: clinical testing. Allele origin: germline.

Color Diagnostics, LLC DBA Color Health
Classification: Likely benign for Cardiomyopathy. Last evaluated: 2019-07-02. Review status: criteria provided, single submitter. Criteria: ACMG Guidelines, 2015. Collection method: clinical testing. Allele origin: germline.

PreventionGenetics, part of Exact Sciences
Classification: Likely benign for MYH7-related condition. Last evaluated: 2020-09-25. Review status: no assertion criteria provided. Collection method: clinical testing. Allele origin: germline. Not counted in ClinVar's aggregate classification.
Comment: This variant is classified as likely benign based on ACMG/AMP sequence variant interpretation guidelines (Richards et al. 2015 PMID: 25741868, with internal and published modifications).

NM_000257.4(MYH7):c.4458C>T (p.Asn1486=)

Genes: MHRT (myosin heavy chain associated RNA transcript; plus strand), MYH7 (myosin heavy chain 7; minus strand). Cytogenetic location: 14q11.2.
Variant type: single nucleotide variant.
Coding change: c.4458C>T on transcript NM_000257.4 (MANE Select); coding-DNA position 4458, C replaced by T.
Protein change: p.Asn1486=; no amino-acid change (asparagine 1486 retained).
Molecular consequence: synonymous variant. On other transcripts: non-coding transcript variant (1).
Genome position (GRCh38, 1-based): chr14:23,417,214, G>A on the plus strand (C>T on the coding strand, the complement: MYH7 is on the minus strand). VCF-style: chr14-23417214-G-A. GRCh37 (hg19) VCF-style: chr14-23886423-G-A.
Identifiers: ClinVar variation 696611 (VCV000696611.38), dbSNP rs571704020, ClinGen allele CA042320.
Genomic context (GRCh38, chr14:23,417,214, plus strand): 5'-CTGCAGGTTTTTGTTCTCCCGCTTGAAGGTCTCCAGATGTTCCAGGGACTCCTCATAGGC[G>A]TTCTTGAGTTTGAAGAGCTCTGTGCTGAGGGAGCGAGCCTCCTTCTGCGAGGACTCCAGC-3'
Protein context (NP_000248.2, residues 1476-1496): SLSTELFKLK[Asn1486=]AYEESLEHLE